The following is an entry in ClinVar:

NM_000492.4(CFTR):c.1789A>G (p.Asn597Asp)

Gene: CFTR (CF transmembrane conductance regulator; plus strand). Cytogenetic location: 7q31.2.
Variant type: single nucleotide variant.
Coding change: c.1789A>G on transcript NM_000492.4 (MANE Select); coding-DNA position 1789, A replaced by G.
Protein change: p.Asn597Asp; replaces asparagine 597 with aspartic acid.
Molecular consequence: missense variant.
Genome position (GRCh38, 1-based): chr7:117,591,956, A>G. VCF-style: chr7-117591956-A-G. GRCh37 (hg19) VCF-style: chr7-117232010-A-G.
Other names: short protein forms N597D.
Identifiers: ClinVar variation 1780145 (VCV001780145.3), dbSNP rs937740224, ClinGen allele CA368977851.

ClinVar aggregate classification (germline): Uncertain significance (1 of 4 stars; one submission).

Conditions:
Cystic fibrosis (CF). Also called: MUCOVISCIDOSIS. Identifiers: Orphanet 586, MedGen C0010674, MONDO:0009061, OMIM 219700. Disease mechanism: loss of function.

Submission:

Ambry Genetics
Classification: Uncertain significance for Cystic fibrosis. Last evaluated: 2025-11-24. Review status: criteria provided, single submitter. Criteria: Ambry Variant Classification Scheme 2023. Collection method: clinical testing. Allele origin: germline.
Comment: The p.N597D variant (also known as c.1789A>G), located in coding exon 14 of the CFTR gene, results from an A to G substitution at nucleotide position 1789. The asparagine at codon 597 is replaced by aspartic acid, an amino acid with highly similar properties. This amino acid position is conserved. In addition, the in silico prediction for this alteration is inconclusive. Since supporting evidence is limited at this time, the clinical significance of this alteration remains unclear.